The following is an entry in ClinVar:

ClinVar aggregate classification (germline): Likely benign (1 of 4 stars; one submission).

Conditions:
KCNT2-related disorder. Also called: KCNT2-related condition. Identifiers: MedGen CN236796.

gnomAD v4.1: 6 of 1,535,180 alleles (0.00039%); highest among the groups gnomAD compares: East Asian, 0.014%; no homozygotes.

Submission:

PreventionGenetics, part of Exact Sciences
Classification: Likely benign for KCNT2-related condition. Last evaluated: 2025-03-31. Review status: criteria provided, single submitter. Criteria: ACMG Guidelines, 2015. Collection method: clinical testing. Allele origin: germline.
Comment: This variant is classified as likely benign based on ACMG/AMP sequence variant interpretation guidelines (Richards et al. 2015 PMID: 25741868, with internal and published modifications).

NM_198503.5(KCNT2):c.3296+8G>A

Gene: KCNT2 (potassium sodium-activated channel subfamily T member 2; minus strand). Cytogenetic location: 1q31.3.
Variant type: single nucleotide variant.
Coding change: c.3296+8G>A on transcript NM_198503.5 (MANE Select); 8 bases into the intron after coding-DNA position 3296, G replaced by A.
Molecular consequence: intron variant.
Genome position (GRCh38, 1-based): chr1:196,235,978, C>T on the plus strand (G>A on the coding strand, the complement: KCNT2 is on the minus strand). VCF-style: chr1-196235978-C-T. GRCh37 (hg19) VCF-style: chr1-196205108-C-T.
Other names: c.3095+8G>A (NM_001287820.3); c.3224+8G>A (NM_001287819.3).
Identifiers: ClinVar variation 4999183 (VCV004999183.1).